The following is an entry in ClinVar:

NM_001145809.2(MYH14):c.2921G>A (p.Arg974His)

Gene: MYH14 (myosin heavy chain 14; plus strand). Cytogenetic location: 19q13.33.
Variant type: single nucleotide variant.
Coding change: c.2921G>A on transcript NM_001145809.2 (MANE Select); coding-DNA position 2921, G replaced by A.
Protein change: p.Arg974His; replaces arginine 974 with histidine.
Molecular consequence: missense variant.
Genome position (GRCh38, 1-based): chr19:50,268,255, G>A. VCF-style: chr19-50268255-G-A. GRCh37 (hg19) VCF-style: chr19-50771512-G-A.
Other names: c.2822G>A, p.Arg941His (NM_001077186.2); c.2798G>A, p.Arg933His (NM_024729.4); c.2921G>A (NM_001145809.1); short protein forms R941H, R933H, R974H.
Identifiers: ClinVar variation 721130 (VCV000721130.19), dbSNP rs113993956, ClinGen allele CA9593076.
Genomic context (GRCh38, chr19:50,268,255, plus strand): 5'-TGCGAGCAGAGGCAGAACTGTGTGCAGAGGCCGAGGAGACGCGGGGGAGGCTGGCAGCCC[G>A]CAAGCAGGAGCTGGAGCTGGTGGTGTCAGAGCTGGAGGCTCGCGTGGGCGAGGAGGAGGA-3'
Protein context (NP_001139281.1, residues 964-984): AEETRGRLAA[Arg974His]KQELELVVSE

ClinVar aggregate classification (germline): Likely benign. Review status: criteria provided, multiple submitters, no conflicts (2 of 4 stars). 4 submissions from 4 submitters: Likely benign (3). 1 of the submissions does not count toward it. Last evaluated 2026-08-01.

Conditions:
MYH14-related disorder. Also called: MYH14-related condition.

Allele frequency attached by ClinVar (database versions not stated): gnomAD 0.00008; gnomAD exomes 0.00011 and 0.00062; 1000 Genomes Project 30x 0.00016; ESP Exome Variant Server 0.00016; 1000 Genomes Project 0.00020; TOPMed 0.00026; ExAC 0.00038.
gnomAD v4.1: 172 of 1,571,088 alleles (0.011%); highest among the groups gnomAD compares: Admixed American, 0.25%; no homozygotes.

Submissions (4):

CeGaT Center for Human Genetics Tuebingen
Classification: Likely benign. Last evaluated: 2026-08-01. Review status: criteria provided, single submitter. Criteria: CeGaT Center For Human Genetics Tuebingen Variant Classification Criteria Version 2. Collection method: clinical testing. Allele origin: germline. Affected: yes. Observed: 2 variant alleles.
Comment: MYH14: PM5, BS1, BS2

Labcorp Genetics (formerly Invitae), Labcorp
Classification: Likely benign. Last evaluated: 2025-11-13. Review status: criteria provided, single submitter. Criteria: Invitae Variant Classification Sherloc (09022015). Collection method: clinical testing. Allele origin: germline.

GeneDx
Classification: Likely benign. Last evaluated: 2021-02-16. Review status: criteria provided, single submitter. Criteria: GeneDx Variant Classification Process June 2021. Collection method: clinical testing. Allele origin: germline. Affected: yes.
Comment: This variant is associated with the following publications: (PMID: 26969326)

PreventionGenetics, part of Exact Sciences
Classification: Likely benign for MYH14-related condition. Last evaluated: 2020-12-09. Review status: no assertion criteria provided. Collection method: clinical testing. Allele origin: germline. Not counted in ClinVar's aggregate classification.
Comment: This variant is classified as likely benign based on ACMG/AMP sequence variant interpretation guidelines (Richards et al. 2015 PMID: 25741868, with internal and published modifications).